The following is an entry in ClinVar:

NM_001018005.2(TPM1):c.397C>T (p.Arg133Ter)

Gene: TPM1 (tropomyosin 1; plus strand). Cytogenetic location: 15q22.2.
Variant type: single nucleotide variant.
Coding change: c.397C>T on transcript NM_001018005.2 (MANE Select); coding-DNA position 397, C replaced by T.
Protein change: p.Arg133Ter; replaces arginine 133 with a stop codon.
Molecular consequence: nonsense. On other transcripts: non-coding transcript variant (17).
Genome position (GRCh38, 1-based): chr15:63,059,585, C>T. VCF-style: chr15-63059585-C-T. GRCh37 (hg19) VCF-style: chr15-63351784-C-T.
Other names: c.523C>T, p.Arg175Ter (NM_001407322.1, NM_001407323.1, NM_001407324.1 and 1 more transcripts); c.397C>T, p.Arg133Ter (NM_001407325.1, NM_001407326.1, NM_001407327.1 and 20 more transcripts); c.289C>T, p.Arg97Ter (NM_001407342.1, NM_001407344.1, NM_001018008.2 and 9 more transcripts); short protein forms R133*, R175*, R97*.
Identifiers: ClinVar variation 3069216 (VCV003069216.2), dbSNP rs1005672618, ClinGen allele CA272032572.
Genomic context (GRCh38, chr15:63,059,585, plus strand): 5'-TCTAAATCTTGGGTTTTCTTGCTTGTCTTTCTTTTCAGAGGCATGAAAGTCATTGAGAGT[C>T]GAGCCCAAAAAGATGAAGAAAAAATGGAAATTCAGGAGATCCAACTGAAAGAGGCCAAGC-3'

ClinVar aggregate classification (germline): Uncertain significance (1 of 4 stars; one submission).

Conditions:
Hypertrophic cardiomyopathy. Also called: HYPERTROPHIC MYOCARDIOPATHY. Identifiers: Orphanet 217569, MedGen C0007194, MeSH D002312, MONDO:0005045, HP:0001639.

gnomAD v4.1: 4 of 1,610,620 alleles (0.00025%); highest among the groups gnomAD compares: Admixed American, 0.0017%; no homozygotes.

Submission:

All of Us Research Program, National Institutes of Health
Classification: Uncertain significance for Hypertrophic cardiomyopathy. Last evaluated: 2024-06-11. Review status: criteria provided, single submitter. Criteria: ACMG Guidelines, 2015. Collection method: clinical testing. Allele origin: germline. Inheritance: Autosomal dominant inheritance. Observed: 2 variant alleles, 2 heterozygotes.
Comment: This variant changes 1 nucleotide in exon 4 of the TPM1 gene, creating a premature translation stop signal. This variant is expected to result in an absent or non-functional protein product. To our knowledge, this variant has not been reported in individuals affected with TPM1-related disorders in the literature. Clinical relevance of loss-of-function TPM1 truncation variants in autosomal dominant cardiovascular disorders is not clearly established. This variant has been identified in 1/251420 chromosomes in the general population by the Genome Aggregation Database (gnomAD). The available evidence is insufficient to determine the role of this variant in disease conclusively. Therefore, this variant is classified as a Variant of Uncertain Significance.

This study involves interpretation of variants in research participants for the purpose of population health screening. Participant phenotype was not available at the time of variant classification. Additional details can be found in publication PMID: 35346344, PMCID: PMC8962531